The following is an entry in ClinVar:

ClinVar aggregate classification (germline): Conflicting classifications of pathogenicity. Review status: criteria provided, conflicting classifications (1 of 4 stars). 3 submissions from 3 submitters: Uncertain significance (2); Likely benign (1). Last evaluated 2026-01-17.

Conditions:
Inborn genetic diseases. Identifiers: MedGen C0950123, MeSH D030342.
IFIH1-related disorder. Also called: IFIH1-related condition.
Singleton-Merten syndrome 1 (SGMRT1). Also called: Widened medullary cavities of bone, aortic calcification, abnormal dentition, and muscular weakness; Syndrome of widened medullary cavities of the metacarpals and phalanges, aortic calcification and abnormal dentition. Identifiers: Orphanet 85191, MedGen C4225427, MONDO:0024535, OMIM 182250.
Aicardi-Goutieres syndrome 7 (AGS7). Identifiers: Orphanet 51, MedGen C3888244, MONDO:0014367, OMIM 615846.

Allele frequency attached by ClinVar (database versions not stated): gnomAD exomes below 0.00001 and 0.00001; ExAC 0.00001; gnomAD 0.00002.
gnomAD v4.1: 20 of 1,429,382 alleles (0.0014%); highest among the groups gnomAD compares: Middle Eastern, 0.088%; no homozygotes.

Submissions (3):

Labcorp Genetics (formerly Invitae), Labcorp
Classification: Likely benign for Aicardi-Goutieres syndrome 7; Singleton-Merten syndrome 1. Last evaluated: 2026-01-17. Review status: criteria provided, single submitter. Criteria: Invitae Variant Classification Sherloc (09022015). Collection method: clinical testing. Allele origin: germline.

Ambry Genetics
Classification: Uncertain significance for Inborn genetic diseases. Last evaluated: 2025-09-22. Review status: criteria provided, single submitter. Criteria: Ambry Variant Classification Scheme 2023. Collection method: clinical testing. Allele origin: germline.

PreventionGenetics, part of Exact Sciences
Classification: Uncertain significance for IFIH1-related condition. Last evaluated: 2022-11-14. Review status: criteria provided, single submitter. Criteria: ACMG Guidelines, 2015. Collection method: clinical testing. Allele origin: germline.
Comment: The IFIH1 c.1658A>T variant is predicted to result in the amino acid substitution p.Lys553Ile. To our knowledge, this variant has not been reported in the literature. This variant is reported in one allele from the "other" population in gnomAD. At this time, the clinical significance of this variant is uncertain due to the absence of conclusive functional and genetic evidence.

NM_022168.4(IFIH1):c.1658A>T (p.Lys553Ile)

Gene: IFIH1 (interferon induced with helicase C domain 1; minus strand). Cytogenetic location: 2q24.2.
Variant type: single nucleotide variant.
Coding change: c.1658A>T on transcript NM_022168.4 (MANE Select); coding-DNA position 1658, A replaced by T.
Protein change: p.Lys553Ile; replaces lysine 553 with isoleucine.
Molecular consequence: missense variant.
Genome position (GRCh38, 1-based): chr2:162,278,312, T>A on the plus strand (A>T on the coding strand, the complement: IFIH1 is on the minus strand). VCF-style: chr2-162278312-T-A. GRCh37 (hg19) VCF-style: chr2-163134822-T-A.
Other names: c.1658A>T (NM_022168.2, NM_022168.3); short protein forms K553I.
Identifiers: ClinVar variation 1432951 (VCV001432951.7), dbSNP rs749596514, ClinGen allele CA1934439.